The following is an entry in ClinVar:

NM_001363711.2(DUOX2):c.3967G>A (p.Ala1323Thr)

Gene: DUOX2 (dual oxidase 2; minus strand). Cytogenetic location: 15q21.1.
Variant type: single nucleotide variant.
Coding change: c.3967G>A on transcript NM_001363711.2 (MANE Select); coding-DNA position 3967, G replaced by A.
Protein change: p.Ala1323Thr; replaces alanine 1323 with threonine.
Molecular consequence: missense variant.
Genome position (GRCh38, 1-based): chr15:45,095,941, C>T on the plus strand (G>A on the coding strand, the complement: DUOX2 is on the minus strand). VCF-style: chr15-45095941-C-T. GRCh37 (hg19) VCF-style: chr15-45388139-C-T.
Other names: c.3967G>A, p.Ala1323Thr (NM_014080.5); short protein forms A1323T.
Identifiers: ClinVar variation 1468236 (VCV001468236.10), dbSNP rs550037603, ClinGen allele CA7537680.
Genomic context (GRCh38, chr15:45,095,941, plus strand): 5'-GGCGAGTGGTCCAGGGCCCCACTGCCCGGATGTGCAGGCTGAGTGTGTCCTCATGGGGCG[C>T]GGAGGTCAGTGTGAAGGGGTGGTACTCGGTGGTCCCCAGAGCCAGGCAGGCGATCCGCAC-3'
Protein context (NP_001350640.1, residues 1313-1333): TEYHPFTLTS[Ala1323Thr]PHEDTLSLHI

ClinVar aggregate classification (germline): Uncertain significance. Review status: criteria provided, multiple submitters, no conflicts (2 of 4 stars). 4 submissions from 4 submitters: Uncertain significance (4). Last evaluated 2026-04-27.

Conditions:
Thyroid dyshormonogenesis 6 (TDH6). Also called: Genetic transient congenital hypothyroidism; HYPOTHYROIDISM, CONGENITAL, DUE TO DYSHORMONOGENESIS, 6; THYROID HORMONOGENESIS, GENETIC DEFECT IN, 6. Identifiers: Orphanet 226316, Orphanet 95716, MedGen C1846632, MONDO:0011792, OMIM 607200.
Congenital hypothyroidism. Identifiers: Orphanet 442, MedGen C0010308, MONDO:0018612, HP:0000851.

Allele frequency attached by ClinVar (database versions not stated): gnomAD 0.00001 and 0.00007; TOPMed 0.00006; 1000 Genomes Project 30x 0.00016; 1000 Genomes Project 0.00020; ExAC 0.00021.
gnomAD v4.1: 147 of 1,613,782 alleles (0.0091%); highest among the groups gnomAD compares: South Asian, 0.13%; 3 homozygotes.

Submissions (4):

Cambridge Genomics Laboratory, East Genomic Laboratory Hub, NHS Genomic Medicine Service
Classification: Uncertain significance for Congenital hypothyroidism. Last evaluated: 2026-04-27. Review status: criteria provided, single submitter. Criteria: ACGS Best Practice Guidelines for Variant Classification in Rare Disease 2020. Collection method: clinical testing. Allele origin: germline. Affected: yes.
Comment: PP3

Labcorp Genetics (formerly Invitae), Labcorp
Classification: Uncertain significance. Last evaluated: 2025-12-03. Review status: criteria provided, single submitter. Criteria: Invitae Variant Classification Sherloc (09022015). Collection method: clinical testing. Allele origin: germline.
Comment: This sequence change replaces alanine, which is neutral and non-polar, with threonine, which is neutral and polar, at codon 1323 of the DUOX2 protein (p.Ala1323Thr). This variant is present in population databases (rs550037603, gnomAD 0.1%). This missense change has been observed in individual(s) with congenital hypothyroidism (PMID: 25928756, 27108200, 30154845). ClinVar contains an entry for this variant (Variation ID: 1468236). Invitae Evidence Modeling of protein sequence and biophysical properties (such as structural, functional, and spatial information, amino acid conservation, physicochemical variation, residue mobility, and thermodynamic stability) indicates that this missense variant is expected to disrupt DUOX2 protein function with a positive predictive value of 80%. In summary, the available evidence is currently insufficient to determine the role of this variant in disease. Therefore, it has been classified as a Variant of Uncertain Significance.

Fulgent Genetics
Classification: Uncertain significance for Thyroid dyshormonogenesis 6. Last evaluated: 2021-11-30. Review status: criteria provided, single submitter. Criteria: ACMG Guidelines, 2015. Collection method: clinical testing. Allele origin: unknown.

Juno Genomics, Hangzhou Juno Genomics, Inc
Classification: Uncertain significance for Thyroid dyshormonogenesis 6. Review status: criteria provided, single submitter. Criteria: ACMG Guidelines, 2015. Collection method: clinical testing. Allele origin: germline.
Comment: Absent from controls (or at extremely low frequency if recessive) in Genome Aggregation Database.;Multiple lines of computational evidence support a deleterious effect on the gene or gene product.;For recessive disorders, detected in trans with a pathogenic variant.

Literature cited by the submitters: PubMed 25928756 (cited by Labcorp Genetics (formerly Invitae), Labcorp); PubMed 27108200 (cited by Labcorp Genetics (formerly Invitae), Labcorp); PubMed 30154845 (cited by Labcorp Genetics (formerly Invitae), Labcorp).